The following is an entry in ClinVar:

ClinVar aggregate classification (germline): Uncertain significance. Review status: criteria provided, multiple submitters, no conflicts (2 of 4 stars). 2 submissions from 2 submitters: Uncertain significance (2). Last evaluated 2024-04-05.

Conditions:
Hereditary cancer-predisposing syndrome. Also called: Tumor predisposition; Neoplastic Syndromes, Hereditary; Hereditary Cancer Syndrome; Hereditary neoplastic syndrome. Identifiers: Orphanet 140162, MedGen C0027672, MeSH D009386, MONDO:0015356.
Multiple endocrine neoplasia, type 1 (MEN1). Also called: MEA I; MEN I; WERMER SYNDROME; Endocrine adenomatosis multiple; MEN 1. Identifiers: Orphanet 652, MedGen C0025267, MeSH D018761, MONDO:0007540, OMIM 131100.

Allele frequency attached by ClinVar (database versions not stated): TOPMed below 0.00001.

Submissions (2):

Labcorp Genetics (formerly Invitae), Labcorp
Classification: Uncertain significance for Multiple endocrine neoplasia, type 1. Last evaluated: 2024-04-05. Review status: criteria provided, single submitter. Criteria: Invitae Variant Classification Sherloc (09022015). Collection method: clinical testing. Allele origin: germline.
Comment: This sequence change replaces threonine, which is neutral and polar, with serine, which is neutral and polar, at codon 599 of the MEN1 protein (p.Thr599Ser). This variant is not present in population databases (gnomAD no frequency). This variant has not been reported in the literature in individuals affected with MEN1-related conditions. ClinVar contains an entry for this variant (Variation ID: 2624633). Advanced modeling of protein sequence and biophysical properties (such as structural, functional, and spatial information, amino acid conservation, physicochemical variation, residue mobility, and thermodynamic stability) has been performed at Invitae for this missense variant, however the output from this modeling did not meet the statistical confidence thresholds required to predict the impact of this variant on MEN1 protein function. In summary, the available evidence is currently insufficient to determine the role of this variant in disease. Therefore, it has been classified as a Variant of Uncertain Significance.

Ambry Genetics
Classification: Uncertain significance for Hereditary cancer-predisposing syndrome. Last evaluated: 2023-08-03. Review status: criteria provided, single submitter. Criteria: Ambry Variant Classification Scheme 2023. Collection method: clinical testing. Allele origin: germline.
Comment: The p.T599S variant (also known as c.1795A>T), located in coding exon 9 of the MEN1 gene, results from an A to T substitution at nucleotide position 1795. The threonine at codon 599 is replaced by serine, an amino acid with similar properties. This amino acid position is conserved. In addition, this alteration is predicted to be tolerated by in silico analysis. Since supporting evidence is limited at this time, the clinical significance of this alteration remains unclear.

NM_001370259.2(MEN1):c.1795A>T (p.Thr599Ser)

Gene: MEN1 (menin 1; minus strand). Cytogenetic location: 11q13.1.
Variant type: single nucleotide variant.
Coding change: c.1795A>T on transcript NM_001370259.2 (MANE Select); coding-DNA position 1795, A replaced by T.
Protein change: p.Thr599Ser; replaces threonine 599 with serine.
Molecular consequence: missense variant. On other transcripts: non-coding transcript variant (4).
Genome position (GRCh38, 1-based): chr11:64,804,372, T>A on the plus strand (A>T on the coding strand, the complement: MEN1 is on the minus strand). VCF-style: chr11-64804372-T-A. GRCh37 (hg19) VCF-style: chr11-64571844-T-A.
Other names: c.1921A>T, p.Thr641Ser (NM_001407143.1, NM_001407144.1, NM_001370251.2 and 1 more transcripts); c.1810A>T, p.Thr604Ser (NM_000244.4, NM_001407145.1, NM_130800.3 and 4 more transcripts); c.1795A>T, p.Thr599Ser (NM_001370260.2, NM_001370261.2, NM_001407146.1 and 2 more transcripts); c.1690A>T, p.Thr564Ser (NM_001370262.2, NM_001370263.2, NM_001407148.1 and 1 more transcripts); c.1936A>T, p.Thr646Ser (NM_001407150.1); c.1816A>T, p.Thr606Ser (NM_001407151.1); c.1630A>T, p.Thr544Ser (NM_001407152.1); short protein forms T604S, T544S, T564S, T606S, T599S, T646S, T641S.
Identifiers: ClinVar variation 2624633 (VCV002624633.5), dbSNP rs1941487702, ClinGen allele CA381177208.
Genomic context (GRCh38, chr11:64,804,372, plus strand): 5'-GCGGTCCGAAGTCCCCAGTAGTTCAGAGGCCTTTGCGCTGCCGCTTGAGGAAAGACAGAG[T>A]GTAGTCACTAGGGGTGGACACTTTCTGCTTCTTCATCTGCACTTGCGACTGTGCCGTGAG-3'
Protein context (NP_001357188.2, residues 589-609): KQKVSTPSDY[Thr599Ser]LSFLKRQRKG